The following is an entry in ClinVar:

ClinVar aggregate classification (germline): Uncertain significance (1 of 4 stars; one submission).

Conditions:
Beta-D-mannosidosis (MANSB). Also called: MANNOSIDOSIS, BETA A, LYSOSOMAL; BETA-MANNOSIDASE DEFICIENCY; LYSOSOMAL BETA-MANNOSIDASE DEFICIENCY; Beta-Mannosidosis. Identifiers: Orphanet 118, MedGen C4048196, MONDO:0009562, OMIM 248510.

gnomAD v4.1: 4 of 1,614,070 alleles (0.00025%); highest among the groups gnomAD compares: African/African-American, 0.004%; no homozygotes.

Submission:

Labcorp Genetics (formerly Invitae), Labcorp
Classification: Uncertain significance for Beta-D-mannosidosis. Last evaluated: 2022-06-07. Review status: criteria provided, single submitter. Criteria: Invitae Variant Classification Sherloc (09022015). Collection method: clinical testing. Allele origin: germline.
Comment: This sequence change replaces arginine, which is basic and polar, with proline, which is neutral and non-polar, at codon 734 of the MANBA protein (p.Arg734Pro). This variant is present in population databases (rs143630504, gnomAD 0.01%). This variant has not been reported in the literature in individuals affected with MANBA-related conditions. Algorithms developed to predict the effect of missense changes on protein structure and function (SIFT, PolyPhen-2, Align-GVGD) all suggest that this variant is likely to be tolerated. In summary, the available evidence is currently insufficient to determine the role of this variant in disease. Therefore, it has been classified as a Variant of Uncertain Significance.

NM_005908.4(MANBA):c.2201G>C (p.Arg734Pro)

Gene: MANBA (mannosidase beta; minus strand). Cytogenetic location: 4q24.
Variant type: single nucleotide variant.
Coding change: c.2201G>C on transcript NM_005908.4 (MANE Select); coding-DNA position 2201, G replaced by C.
Protein change: p.Arg734Pro; replaces arginine 734 with proline.
Molecular consequence: missense variant.
Genome position (GRCh38, 1-based): chr4:102,635,002, C>G on the plus strand (G>C on the coding strand, the complement: MANBA is on the minus strand). VCF-style: chr4-102635002-C-G. GRCh37 (hg19) VCF-style: chr4-103556159-C-G.
Other names: short protein forms R734P.
Identifiers: ClinVar variation 2002723 (VCV002002723.1), dbSNP rs143630504, ClinGen allele CA3026671.